The following is an entry in ClinVar:

ClinVar aggregate classification (germline): Conflicting classifications of pathogenicity. Review status: criteria provided, conflicting classifications (1 of 4 stars). 2 submissions from 2 submitters: Likely pathogenic (1); Uncertain significance (1). Last evaluated 2024-09-05.

Submissions (2):

Blueprint Genetics
Classification: Uncertain significance. Last evaluated: 2024-09-05. Review status: criteria provided, single submitter. Criteria: ACMG Guidelines, 2015. Collection method: clinical testing. Allele origin: germline.

GeneDx
Classification: Likely pathogenic. Last evaluated: 2015-08-28. Review status: criteria provided, single submitter. Criteria: GeneDx Variant Classification (06012015). Collection method: clinical testing. Allele origin: germline. Affected: yes.
Comment: The G466V variant has not been published as a pathogenic variant, nor has it been reported as a benign polymorphism to our knowledge. The G466V variant was not observed in approximately 6,500 individuals of European and African American ancestry in the NHLBI Exome Sequencing Project, indicating it is not a common benign variant in these populations. The G466V variant is a conservative amino acid substitution, which is not likely to impact secondary protein structure as these residues share similar properties. However, this substitution occurs at a position that is conserved across species, and in silico analysis predicts this variant is probably damaging to the protein structure/function. Missense variants in nearby residues (G462S/V/D, L468P, L469P) as well as in the same residue (G466R/D) have been reported in the Human Gene Mutation Database in association with Dent disease (Stenson et al., 2014), supporting the functional importance of this region of the protein. Therefore, this variant is a strong candidate for a pathogenic variant, however the possibility that it is a benign variant cannot be excluded.

NM_001127898.4(CLCN5):c.1607G>T (p.Gly536Val)

Gene: CLCN5 (Cl-/H+ antiporter 5; plus strand). Cytogenetic location: Xp11.23.
Variant type: single nucleotide variant.
Coding change: c.1607G>T on transcript NM_001127898.4 (MANE Select); coding-DNA position 1607, G replaced by T.
Protein change: p.Gly536Val; replaces glycine 536 with valine.
Molecular consequence: missense variant.
Genome position (GRCh38, 1-based): chrX:50,088,747, G>T. VCF-style: chrX-50088747-G-T. GRCh37 (hg19) VCF-style: chrX-49853404-G-T.
Other names: c.1397G>T, p.Gly466Val (NM_000084.5); c.1607G>T, p.Gly536Val (NM_001127899.4); c.1457G>T, p.Gly486Val (NM_001282163.2); short protein forms G466V, G536V, G486V.
Identifiers: ClinVar variation 429605 (VCV000429605.3), dbSNP rs1131691487, ClinGen allele CA413187961.